The following is an entry in ClinVar:

ClinVar aggregate classification (germline): Uncertain significance (1 of 4 stars; one submission).

Conditions:
Immunodeficiency 37 (IMD37). Identifiers: MedGen C4015195, MONDO:0014491, OMIM 616098.

Submission:

Labcorp Genetics (formerly Invitae), Labcorp
Classification: Uncertain significance for Immunodeficiency 37. Last evaluated: 2022-04-23. Review status: criteria provided, single submitter. Criteria: Invitae Variant Classification Sherloc (09022015). Collection method: clinical testing. Allele origin: germline.
Comment: Algorithms developed to predict the effect of missense changes on protein structure and function are either unavailable or do not agree on the potential impact of this missense change (SIFT: "Tolerated"; PolyPhen-2: "Possibly Damaging"; Align-GVGD: "Class C0"). This sequence change replaces cysteine, which is neutral and slightly polar, with tryptophan, which is neutral and slightly polar, at codon 122 of the BCL10 protein (p.Cys122Trp). This variant is not present in population databases (gnomAD no frequency). This variant has not been reported in the literature in individuals affected with BCL10-related conditions. Algorithms developed to predict the effect of sequence changes on RNA splicing suggest that this variant may disrupt the consensus splice site. In summary, the available evidence is currently insufficient to determine the role of this variant in disease. Therefore, it has been classified as a Variant of Uncertain Significance.

NM_003921.5(BCL10):c.366T>G (p.Cys122Trp)

Gene: BCL10 (BCL10 immune signaling adaptor; minus strand). Cytogenetic location: 1p22.3.
Variant type: single nucleotide variant.
Coding change: c.366T>G on transcript NM_003921.5 (MANE Select); coding-DNA position 366, T replaced by G.
Protein change: p.Cys122Trp; replaces cysteine 122 with tryptophan.
Molecular consequence: missense variant. On other transcripts: intron variant (1).
Genome position (GRCh38, 1-based): chr1:85,267,963, A>C on the plus strand (T>G on the coding strand, the complement: BCL10 is on the minus strand). VCF-style: chr1-85267963-A-C. GRCh37 (hg19) VCF-style: chr1-85733646-A-C.
Other names: c.347-14T>G (NM_001320715.2); short protein forms C122W.
Identifiers: ClinVar variation 2417108 (VCV002417108.5), dbSNP rs766089591, ClinGen allele CA340949621.